The following is an entry in ClinVar:

NM_000217.3(KCNA1):c.478C>A (p.Pro160Thr)

Gene: KCNA1 (potassium voltage-gated channel subfamily A member 1; plus strand). Cytogenetic location: 12p13.32.
Variant type: single nucleotide variant.
Coding change: c.478C>A on transcript NM_000217.3 (MANE Select); coding-DNA position 478, C replaced by A.
Protein change: p.Pro160Thr; replaces proline 160 with threonine.
Molecular consequence: missense variant.
Genome position (GRCh38, 1-based): chr12:4,911,856, C>A. VCF-style: chr12-4911856-C-A. GRCh37 (hg19) VCF-style: chr12-5021022-C-A.
Other names: short protein forms P160T.
Identifiers: ClinVar variation 4622482 (VCV004622482.1).

ClinVar aggregate classification (germline): Uncertain significance (1 of 4 stars; one submission).

Conditions:
Inborn genetic diseases. Identifiers: MedGen C0950123, MeSH D030342.

Submission:

Ambry Genetics
Classification: Uncertain significance for Inborn genetic diseases. Last evaluated: 2025-11-26. Review status: criteria provided, single submitter. Criteria: Ambry Variant Classification Scheme 2023. Collection method: clinical testing. Allele origin: germline.
Comment: The c.478C>A (p.P160T) alteration is located in exon 2 (coding exon 1) of the KCNA1 gene. This alteration results from a C to A substitution at nucleotide position 478, causing the proline (P) at amino acid position 160 to be replaced by a threonine (T). This variant was not reported in population-based cohorts in the Genome Aggregation Database (gnomAD). This amino acid position is highly conserved in available vertebrate species. This alteration is predicted to be deleterious by in silico analysis. Based on insufficient or conflicting evidence, the clinical significance of this alteration remains unclear.